The following is an entry in ClinVar:

NM_004484.4(GPC3):c.63G>C (p.Pro21=)

Gene: GPC3 (glypican 3; minus strand). Cytogenetic location: Xq26.2.
Variant type: single nucleotide variant.
Coding change: c.63G>C on transcript NM_004484.4 (MANE Select); coding-DNA position 63, G replaced by C.
Protein change: p.Pro21=; no amino-acid change (proline 21 retained).
Molecular consequence: synonymous variant.
Genome position (GRCh38, 1-based): chrX:133,985,387, C>G on the plus strand (G>C on the coding strand, the complement: GPC3 is on the minus strand). VCF-style: chrX-133985387-C-G. GRCh37 (hg19) VCF-style: chrX-133119414-C-G.
Other names: c.63G>C, p.Pro21= (NM_001164617.2, NM_001164618.2, NM_001164619.2).
Identifiers: ClinVar variation 4083747 (VCV004083747.8).

ClinVar aggregate classification (germline): Likely benign (1 of 4 stars; one submission).

Submission:

CeGaT Center for Human Genetics Tuebingen
Classification: Likely benign. Last evaluated: 2025-08-01. Review status: criteria provided, single submitter. Criteria: CeGaT Center For Human Genetics Tuebingen Variant Classification Criteria Version 2. Collection method: clinical testing. Allele origin: germline. Affected: yes. Observed: 1 variant allele.
Comment: GPC3: PM2:Supporting, BP4, BP7